The following is an entry in ClinVar:

NM_004826.4(ECEL1):c.2074C>T (p.Arg692Trp)

Gene: ECEL1 (endothelin converting enzyme like 1; minus strand). Cytogenetic location: 2q37.1.
Variant type: single nucleotide variant.
Coding change: c.2074C>T on transcript NM_004826.4 (MANE Select); coding-DNA position 2074, C replaced by T.
Protein change: p.Arg692Trp; replaces arginine 692 with tryptophan.
Molecular consequence: missense variant.
Genome position (GRCh38, 1-based): chr2:232,480,795, G>A on the plus strand (C>T on the coding strand, the complement: ECEL1 is on the minus strand). VCF-style: chr2-232480795-G-A. GRCh37 (hg19) VCF-style: chr2-233345505-G-A.
Other names: c.2068C>T, p.Arg690Trp (NM_001290787.2); short protein forms R690W, R692W.
Identifiers: ClinVar variation 3360582 (VCV003360582.1).
Genomic context (GRCh38, chr2:232,480,795, plus strand): 5'-AGAAGAGCTGGTCATGTGTGTACTTGAGCCGGGGAAGTGGGTGCTCTGGGCCGTGCTCCC[G>A]CACCCACTTCTGATAGGCCTGGGGACACAGAGAGCATGGACCTGCTATGCCCGCCCACCC-3'
Protein context (NP_004817.2, residues 682-702): LAYHAYQKWV[Arg692Trp]EHGPEHPLPR

ClinVar aggregate classification (germline): Uncertain significance (1 of 4 stars; one submission).

Submission:

GeneDx
Classification: Uncertain significance. Last evaluated: 2023-06-27. Review status: criteria provided, single submitter. Criteria: GeneDx Variant Classification Process June 2021. Collection method: clinical testing. Allele origin: germline. Affected: yes.
Comment: In silico analysis supports that this missense variant has a deleterious effect on protein structure/function; Has not been previously published as pathogenic or benign to our knowledge